The following is an entry in ClinVar:

ClinVar aggregate classification (germline): Uncertain significance. Review status: criteria provided, multiple submitters, no conflicts (2 of 4 stars). 2 submissions from 2 submitters: Uncertain significance (2). Last evaluated 2026-01-13.

Conditions:
Ataxia-telangiectasia syndrome (AT). Also called: Ataxia-telangiectasia, complementation group D; AT, COMPLEMENTATION GROUP C; ATAXIA-TELANGIECTASIA, COMPLEMENTATION GROUP A; ATAXIA-TELANGIECTASIA, FRESNO VARIANT; LOUIS-BAR SYNDROME; Cerebello-oculocutaneous telangiectasia. Identifiers: Orphanet 100, MedGen C0004135, MONDO:0008840, OMIM 208900.
Hereditary cancer-predisposing syndrome. Also called: Neoplastic Syndromes, Hereditary; Hereditary neoplastic syndrome; Tumor predisposition; Hereditary Cancer Syndrome. Identifiers: Orphanet 140162, MedGen C0027672, MeSH D009386, MONDO:0015356.

Submissions (2):

Labcorp Genetics (formerly Invitae), Labcorp
Classification: Uncertain significance for Ataxia-telangiectasia syndrome. Last evaluated: 2026-01-13. Review status: criteria provided, single submitter. Criteria: Invitae Variant Classification Sherloc (09022015). Collection method: clinical testing. Allele origin: germline.
Comment: This sequence change falls in intron 33 of the ATM gene. It does not directly change the encoded amino acid sequence of the ATM protein. RNA analysis indicates that this variant induces altered splicing and likely results in a shortened protein product. This variant is not present in population databases (gnomAD no frequency). This variant has not been reported in the literature in individuals affected with ATM-related conditions. ClinVar contains an entry for this variant (Variation ID: 3324856). Variants that disrupt the consensus splice site are a relatively common cause of aberrant splicing (PMID: 17576681, 9536098). Studies have shown that this variant results in skipping of exon 33, but is expected to preserve the integrity of the reading-frame (internal data). In summary, the available evidence is currently insufficient to determine the role of this variant in disease. Therefore, it has been classified as a Variant of Uncertain Significance.

Ambry Genetics
Classification: Uncertain significance for Hereditary cancer-predisposing syndrome. Last evaluated: 2024-03-23. Review status: criteria provided, single submitter. Criteria: Ambry Variant Classification Scheme 2023. Collection method: clinical testing. Allele origin: germline.
Comment: The c.5005+3A>C intronic variant results from an A to C substitution 3 nucleotides after coding exon 32 in the ATM gene. This nucleotide position is highly conserved in available vertebrate species. In silico splice site analysis predicts that this alteration will weaken the native splice donor site. Based on the available evidence, the clinical significance of this alteration remains unclear.

Literature cited by the submitters: PubMed 17576681 (cited by Labcorp Genetics (formerly Invitae), Labcorp); PubMed 9536098 (cited by Labcorp Genetics (formerly Invitae), Labcorp).

NM_000051.4(ATM):c.5005+3A>C

Gene: ATM (ATM serine/threonine kinase; plus strand). Cytogenetic location: 11q22.3.
Variant type: single nucleotide variant.
Coding change: c.5005+3A>C on transcript NM_000051.4 (MANE Select); 3 bases into the intron after coding-DNA position 5005, A replaced by C.
Molecular consequence: intron variant.
Genome position (GRCh38, 1-based): chr11:108,297,385, A>C. VCF-style: chr11-108297385-A-C. GRCh37 (hg19) VCF-style: chr11-108168112-A-C.
Other names: c.5005+3A>C (NM_001351834.2).
Identifiers: ClinVar variation 3324856 (VCV003324856.1).